The following is an entry in ClinVar:

NM_000264.5(PTCH1):c.3802A>G (p.Thr1268Ala)

Gene: PTCH1 (patched 1; minus strand). Cytogenetic location: 9q22.32.
Variant type: single nucleotide variant.
Coding change: c.3802A>G on transcript NM_000264.5 (MANE Select); coding-DNA position 3802, A replaced by G.
Protein change: p.Thr1268Ala; replaces threonine 1268 with alanine.
Molecular consequence: missense variant. On other transcripts: non-coding transcript variant (1).
Genome position (GRCh38, 1-based): chr9:95,449,071, T>C on the plus strand (A>G on the coding strand, the complement: PTCH1 is on the minus strand). VCF-style: chr9-95449071-T-C. GRCh37 (hg19) VCF-style: chr9-98211353-T-C.
Other names: c.3604A>G, p.Thr1202Ala (NM_001083602.3); c.3799A>G, p.Thr1267Ala (NM_001083603.3); c.3349A>G, p.Thr1117Ala (NM_001083604.3, NM_001083605.3, NM_001083606.3 and 1 more transcripts); c.3646A>G, p.Thr1216Ala (NM_001354918.2); short protein forms T1117A, T1202A, T1267A, T1216A, T1268A.
Identifiers: ClinVar variation 3939929 (VCV003939929.1).

ClinVar aggregate classification (germline): Uncertain significance (1 of 4 stars; one submission).

Conditions:
Hereditary cancer-predisposing syndrome. Also called: Tumor predisposition; Hereditary neoplastic syndrome; Hereditary Cancer Syndrome; Neoplastic Syndromes, Hereditary. Identifiers: Orphanet 140162, MedGen C0027672, MeSH D009386, MONDO:0015356.

Submission:

Ambry Genetics
Classification: Uncertain significance for Hereditary cancer-predisposing syndrome. Last evaluated: 2025-03-22. Review status: criteria provided, single submitter. Criteria: Ambry Variant Classification Scheme 2023. Collection method: clinical testing. Allele origin: germline.
Comment: The p.T1268A variant (also known as c.3802A>G), located in coding exon 22 of the PTCH1 gene, results from an A to G substitution at nucleotide position 3802. The threonine at codon 1268 is replaced by alanine, an amino acid with similar properties. This amino acid position is conserved. In addition, the in silico prediction for this alteration is inconclusive. Based on the available evidence, the clinical significance of this variant remains unclear.